The following is an entry in ClinVar:

ClinVar aggregate classification (germline): Conflicting classifications of pathogenicity. Review status: criteria provided, conflicting classifications (1 of 4 stars). 6 submissions from 6 submitters: Likely pathogenic (1); Uncertain significance (5). Last evaluated 2026-02-03.

Conditions:
DSP-related disorder. Also called: DSP-related condition; DSP-related disorders.
Cardiovascular phenotype. Identifiers: MedGen CN230736.
Cardiomyopathy (CMYO). Also called: Cardiomyopathies. Identifiers: Orphanet 167848, MedGen C0878544, MONDO:0004994, HP:0001638. Inheritance: Various modes of inheritance.
Arrhythmogenic cardiomyopathy with wooly hair and keratoderma. Also called: Carvajal syndrome; PALMOPLANTAR KERATODERMA WITH LEFT VENTRICULAR CARDIOMYOPATHY AND WOOLLY HAIR; Arrhythmogenic cardiomyopathy with woolly hair and keratoderma; Dilated cardiomyopathy with woolly hair and keratoderma. Identifiers: Orphanet 65282, MedGen C1854063, MONDO:0011581, OMIM 605676.
Arrhythmogenic right ventricular dysplasia 8 (ARVD8). Also called: ARRHYTHMOGENIC RIGHT VENTRICULAR DYSPLASIA, FAMILIAL, 8; ARRHYTHMOGENIC RIGHT VENTRICULAR CARDIOMYOPATHY 8; Arrhythmogenic Right Ventricular Dysplasia/Cardiomyopathy 8. Identifiers: MedGen C1843896, MONDO:0011831, OMIM 607450.

Allele frequency attached by ClinVar (database versions not stated): gnomAD exomes below 0.00001 and 0.00001.
gnomAD v4.1: 21 of 1,614,226 alleles (0.0013%); highest among the groups gnomAD compares: Non-Finnish European, 0.0018%; no homozygotes.

Submissions (6):

Ambry Genetics
Classification: Uncertain significance for Cardiovascular phenotype. Last evaluated: 2026-02-03. Review status: criteria provided, single submitter. Criteria: Ambry Variant Classification Scheme 2023. Collection method: clinical testing. Allele origin: germline.
Comment: The p.C482Y variant (also known as c.1445G>A), located in coding exon 12 of the DSP gene, results from a G to A substitution at nucleotide position 1445. The cysteine at codon 482 is replaced by tyrosine, an amino acid with highly dissimilar properties. This variant has been reported in cohorts of individuals with variable cardiomyopathies; however, clinical details were limited (Lopes LR et al. J Med Genet, 2013 Apr;50:228-39; Walsh R et al. Genet Med, 2017 Feb;19:192-203; Lahrouchi N et al. Eur J Hum Genet, 2020 Jan;28:17-22; Bourfiss M et al. Circ Genom Precis Med, 2022 Dec;15:e003704). This amino acid position is well conserved in available vertebrate species. In addition, this alteration is predicted to be deleterious by in silico analysis. Based on the available evidence, the clinical significance of this variant remains unclear.

Labcorp Genetics (formerly Invitae), Labcorp
Classification: Uncertain significance for Arrhythmogenic cardiomyopathy with wooly hair and keratoderma; Arrhythmogenic right ventricular dysplasia 8. Last evaluated: 2026-01-06. Review status: criteria provided, single submitter. Criteria: Invitae Variant Classification Sherloc (09022015). Collection method: clinical testing. Allele origin: germline.
Comment: This sequence change replaces cysteine, which is neutral and slightly polar, with tyrosine, which is neutral and polar, at codon 482 of the DSP protein (p.Cys482Tyr). This variant is present in population databases (no rsID available, gnomAD 0.0009%). This missense change has been observed in individual(s) with clinical features of DSP-related conditions (PMID: 27532257, 36264615). ClinVar contains an entry for this variant (Variation ID: 956247). An algorithm developed to predict the effect of missense changes on protein structure and function (PolyPhen-2) suggests that this variant is likely to be disruptive. In summary, the available evidence is currently insufficient to determine the role of this variant in disease. Therefore, it has been classified as a Variant of Uncertain Significance.

Color Diagnostics, LLC DBA Color Health
Classification: Uncertain significance for Cardiomyopathy. Last evaluated: 2025-06-24. Review status: criteria provided, single submitter. Criteria: ACMG Guidelines, 2015. Collection method: clinical testing. Allele origin: germline.
Comment: This missense variant replaces cysteine with tyrosine at codon 482 of the DSP protein. Computational prediction suggests that this variant may have deleterious impact on protein structure and function. To our knowledge, functional studies have not been reported for this variant. This variant has been reported in an individual affected with arrhythmogenic right ventricular cardiomyopathy (PMID: 27532257) and in an individual affected with arrhythmogenic cardiomyopathy (PMID: 31534214). It has also been reported in an individual affected with hypertrophic cardiomyopathy (PMID: 25351510). This variant has been identified in 1/251452 chromosomes in the general population by the Genome Aggregation Database (gnomAD). The available evidence is insufficient to determine the role of this variant in disease conclusively. Therefore, this variant is classified as a Variant of Uncertain Significance.

3billion
Classification: Uncertain significance for Arrhythmogenic cardiomyopathy with wooly hair and keratoderma. Last evaluated: 2025-02-15. Review status: criteria provided, single submitter. Criteria: ACMG Guidelines, 2015. Collection method: clinical testing. Allele origin: germline. Affected: yes.
Comment: The variant is observed at an extremely low frequency in the gnomAD v4.1.0 dataset (total allele frequency: 0.001%). Predicted Consequence/Location: Missense variant. The majority of the known disease-causing variants of this gene are variants expected to result in premature termination of the protein. In silico tool predictions suggest damaging effect of the variant on gene or gene product [REVEL: 0.74 (>=0.6, sensitivity 0.68 and specificity 0.92)]. The variant has been reported as of uncertain significance (ClinVar ID: VCV000956247; PMID: 27532257). Different missense changes at the same codon have been reported as of uncertain significance (ClinVar ID: VCV000626738, VCV003073128). Therefore, this variant is classified as VUS according to the recommendation of ACMG/AMP guideline.

AiLife Diagnostics
Classification: Uncertain significance. Last evaluated: 2022-01-29. Review status: criteria provided, single submitter. Criteria: ACMG Guidelines, 2015. Collection method: clinical testing. Allele origin: germline. Affected: yes. Observed: 1 variant allele.

Blueprint Genetics
Classification: Likely pathogenic for DSP-related disorders. Last evaluated: 2021-10-26. Review status: criteria provided, single submitter. Criteria: ACMG Guidelines, 2015. Collection method: clinical testing. Allele origin: germline. Affected: yes. Observed: 1 variant allele.

Literature cited by the submitters: PubMed 23396983 (cited by Ambry Genetics); PubMed 27532257 (cited by 4 submitters); PubMed 31534214 (cited by Ambry Genetics and Color Diagnostics, LLC DBA Color Health); PubMed 36264615 (cited by Ambry Genetics and Labcorp Genetics (formerly Invitae), Labcorp); PubMed 25351510 (cited by Color Diagnostics, LLC DBA Color Health); PubMed 31402444 (cited by AiLife Diagnostics).

NM_004415.4(DSP):c.1445G>A (p.Cys482Tyr)

Gene: DSP (desmoplakin; plus strand). Cytogenetic location: 6p24.3.
Variant type: single nucleotide variant.
Coding change: c.1445G>A on transcript NM_004415.4 (MANE Select); coding-DNA position 1445, G replaced by A.
Protein change: p.Cys482Tyr; replaces cysteine 482 with tyrosine.
Molecular consequence: missense variant.
Genome position (GRCh38, 1-based): chr6:7,569,211, G>A. VCF-style: chr6-7569211-G-A. GRCh37 (hg19) VCF-style: chr6-7569444-G-A.
Other names: c.1445G>A, p.Cys482Tyr (NM_001008844.3, NM_001319034.2); short protein forms C482Y.
Identifiers: ClinVar variation 956247 (VCV000956247.15), dbSNP rs1472091469, ClinGen allele CA362677418.